The following is an entry in ClinVar:

NM_001844.5(COL2A1):c.2380C>T (p.Pro794Ser)

Gene: COL2A1 (collagen type II alpha 1 chain; minus strand). Cytogenetic location: 12q13.11.
Variant type: single nucleotide variant.
Coding change: c.2380C>T on transcript NM_001844.5 (MANE Select); coding-DNA position 2380, C replaced by T.
Protein change: p.Pro794Ser; replaces proline 794 with serine.
Molecular consequence: missense variant.
Genome position (GRCh38, 1-based): chr12:47,981,805, G>A on the plus strand (C>T on the coding strand, the complement: COL2A1 is on the minus strand). VCF-style: chr12-47981805-G-A. GRCh37 (hg19) VCF-style: chr12-48375588-G-A.
Other names: c.2173C>T, p.Pro725Ser (NM_033150.3); short protein forms P725S, P794S.
Identifiers: ClinVar variation 1314788 (VCV001314788.6), dbSNP rs1019915024, ClinGen allele CA236523962.

ClinVar aggregate classification (germline): Uncertain significance. Review status: criteria provided, multiple submitters, no conflicts (2 of 4 stars). 3 submissions from 3 submitters: Uncertain significance (3). Last evaluated 2025-10-06.

Allele frequency attached by ClinVar (database versions not stated): gnomAD 0.00001; TOPMed 0.00001.
gnomAD v4.1: 17 of 1,554,396 alleles (0.0011%); highest among the groups gnomAD compares: Non-Finnish European, 0.0014%; no homozygotes.

Submissions (3):

Women's Health and Genetics/Laboratory Corporation of America, LabCorp
Classification: Uncertain significance. Last evaluated: 2025-10-06. Review status: criteria provided, single submitter. Criteria: LabCorp Variant Classification Summary - May 2015. Collection method: clinical testing. Allele origin: germline.
Comment: Variant summary: COL2A1 c.2380C>T (p.Pro794Ser) results in a non-conservative amino acid change in the encoded protein sequence. Algorithms developed to predict the effect of missense changes on protein structure and function all suggest that this variant is likely to be disruptive. The frequency data for this variant in gnomAD is considered unreliable, as metrics indicate poor data quality at this position. To our knowledge, no occurrence of c.2380C>T in individuals affected with COL2A1-related conditions and no experimental evidence demonstrating its impact on protein function have been reported. ClinVar contains an entry for this variant (Variation ID: 1314788). Based on the evidence outlined above, the variant was classified as uncertain significance.

Labcorp Genetics (formerly Invitae), Labcorp
Classification: Uncertain significance. Last evaluated: 2023-07-03. Review status: criteria provided, single submitter. Criteria: Invitae Variant Classification Sherloc (09022015). Collection method: clinical testing. Allele origin: germline.
Comment: This sequence change replaces proline, which is neutral and non-polar, with serine, which is neutral and polar, at codon 794 of the COL2A1 protein (p.Pro794Ser). This variant is not present in population databases (gnomAD no frequency). This variant has not been reported in the literature in individuals affected with COL2A1-related conditions. ClinVar contains an entry for this variant (Variation ID: 1314788). Advanced modeling of protein sequence and biophysical properties (such as structural, functional, and spatial information, amino acid conservation, physicochemical variation, residue mobility, and thermodynamic stability) performed at Invitae indicates that this missense variant is not expected to disrupt COL2A1 protein function. In summary, the available evidence is currently insufficient to determine the role of this variant in disease. Therefore, it has been classified as a Variant of Uncertain Significance.

GeneDx
Classification: Uncertain significance. Last evaluated: 2021-04-19. Review status: criteria provided, single submitter. Criteria: GeneDx Variant Classification Process June 2021. Collection method: clinical testing. Allele origin: germline. Affected: yes.
Comment: Has not been previously published as pathogenic or benign to our knowledge; Not observed in large population cohorts (Lek et al., 2016); In silico analysis supports that this missense variant has a deleterious effect on protein structure/function; Occurs in the triple helical domain at the Y position in the canonical Gly-X-Y repeat; although this variant may have an effect on normal protein folding and function, missense substitution at the Y position is not a common mechanism of disease (Stenson et al., 2014)